The following is an entry in ClinVar:

ClinVar aggregate classification (germline): Uncertain significance (1 of 4 stars; one submission).

Conditions:
STXBP5-related disorder. Also called: STXBP5-related condition.

Submission:

PreventionGenetics, part of Exact Sciences
Classification: Uncertain significance for STXBP5-related condition. Last evaluated: 2024-11-18. Review status: criteria provided, single submitter. Criteria: ACMG Guidelines, 2015. Collection method: clinical testing. Allele origin: germline.
Comment: The STXBP5 c.1085C>T variant is predicted to result in the amino acid substitution p.Pro362Leu. To our knowledge, this variant has not been reported in the literature or in a large population database (gnomAD), indicating this variant is rare. At this time, the clinical significance of this variant is uncertain due to the absence of conclusive functional and genetic evidence.

NM_001127715.4(STXBP5):c.1085C>T (p.Pro362Leu)

Gene: STXBP5 (syntaxin binding protein 5; plus strand). Cytogenetic location: 6q24.3.
Variant type: single nucleotide variant.
Coding change: c.1085C>T on transcript NM_001127715.4 (MANE Select); coding-DNA position 1085, C replaced by T.
Protein change: p.Pro362Leu; replaces proline 362 with leucine.
Molecular consequence: missense variant.
Genome position (GRCh38, 1-based): chr6:147,311,467, C>T. VCF-style: chr6-147311467-C-T. GRCh37 (hg19) VCF-style: chr6-147632603-C-T.
Other names: c.1085C>T, p.Pro362Leu (NM_001394409.1, NM_139244.6); short protein forms P362L.
Identifiers: ClinVar variation 4997836 (VCV004997836.1).